The following is an entry in ClinVar:

ClinVar aggregate classification (germline): Uncertain significance (1 of 4 stars; one submission).

Conditions:
Congenital myasthenic syndrome 17. Identifiers: Orphanet 590, MedGen C4225377, MONDO:0014578, OMIM 616304.
Sclerosteosis 2 (SOST2). Identifiers: Orphanet 3152, MedGen C3280402, MONDO:0013679, OMIM 614305.
Cenani-Lenz syndactyly syndrome. Also called: SYNDACTYLY, TYPE VII; CENANI SYNDACTYLISM. Identifiers: Orphanet 3258, MedGen C1859309, MONDO:0008931, OMIM 212780.

Allele frequency attached by ClinVar (database versions not stated): TOPMed 0.00001.
gnomAD v4.1: 18 of 1,613,912 alleles (0.0011%); highest among the groups gnomAD compares: Non-Finnish European, 0.0015%; no homozygotes.

Submission:

Labcorp Genetics (formerly Invitae), Labcorp
Classification: Uncertain significance for Cenani-Lenz syndactyly syndrome; Sclerosteosis 2; Congenital myasthenic syndrome 17. Last evaluated: 2024-04-17. Review status: criteria provided, single submitter. Criteria: Invitae Variant Classification Sherloc (09022015). Collection method: clinical testing. Allele origin: germline.
Comment: This sequence change replaces asparagine, which is neutral and polar, with lysine, which is basic and polar, at codon 496 of the LRP4 protein (p.Asn496Lys). This variant is present in population databases (no rsID available, gnomAD 0.003%). This variant has not been reported in the literature in individuals affected with LRP4-related conditions. ClinVar contains an entry for this variant (Variation ID: 1007662). Advanced modeling of protein sequence and biophysical properties (such as structural, functional, and spatial information, amino acid conservation, physicochemical variation, residue mobility, and thermodynamic stability) performed at Invitae indicates that this missense variant is not expected to disrupt LRP4 protein function with a negative predictive value of 80%. In summary, the available evidence is currently insufficient to determine the role of this variant in disease. Therefore, it has been classified as a Variant of Uncertain Significance.

NM_002334.4(LRP4):c.1488C>A (p.Asn496Lys)

Gene: LRP4 (LDL receptor related protein 4; minus strand). Cytogenetic location: 11p11.2.
Variant type: single nucleotide variant.
Coding change: c.1488C>A on transcript NM_002334.4 (MANE Select); coding-DNA position 1488, C replaced by A.
Protein change: p.Asn496Lys; replaces asparagine 496 with lysine.
Molecular consequence: missense variant.
Genome position (GRCh38, 1-based): chr11:46,894,641, G>T on the plus strand (C>A on the coding strand, the complement: LRP4 is on the minus strand). VCF-style: chr11-46894641-G-T. GRCh37 (hg19) VCF-style: chr11-46916192-G-T.
Other names: short protein forms N496K.
Identifiers: ClinVar variation 1007662 (VCV001007662.8), dbSNP rs779961860, ClinGen allele CA380285230.